The following is an entry in ClinVar:

ClinVar aggregate classification (germline): Uncertain significance (1 of 4 stars; one submission).

Conditions:
Hypertrophic cardiomyopathy 14. Identifiers: MedGen C2750467, MONDO:0013197, OMIM 613251.

gnomAD v4.1: 1 of 1,614,172 alleles (0.000062%); highest among the groups gnomAD compares: Non-Finnish European, 0.000085%; no homozygotes.

Submission:

Labcorp Genetics (formerly Invitae), Labcorp
Classification: Uncertain significance for Familial hypertrophic cardiomyopathy 14. Last evaluated: 2018-09-04. Review status: criteria provided, single submitter. Criteria: Invitae Variant Classification Sherloc (09022015). Collection method: clinical testing. Allele origin: germline.
Comment: This sequence change replaces valine with phenylalanine at codon 1019 of the MYH6 protein (p.Val1019Phe). The valine residue is weakly conserved and there is a small physicochemical difference between valine and phenylalanine. This variant is not present in population databases (ExAC no frequency). This variant has not been reported in the literature in individuals with MYH6-related disease. Algorithms developed to predict the effect of missense changes on protein structure and function are either unavailable or do not agree on the potential impact of this missense change (SIFT: "Deleterious"; PolyPhen-2: "Possibly Damaging"; Align-GVGD: "Class C0"). In summary, the available evidence is currently insufficient to determine the role of this variant in disease. Therefore, it has been classified as a Variant of Uncertain Significance.

NM_002471.4(MYH6):c.3055G>T (p.Val1019Phe)

Gene: MYH6 (myosin heavy chain 6; minus strand). Cytogenetic location: 14q11.2.
Variant type: single nucleotide variant.
Coding change: c.3055G>T on transcript NM_002471.4 (MANE Select); coding-DNA position 3055, G replaced by T.
Protein change: p.Val1019Phe; replaces valine 1019 with phenylalanine.
Molecular consequence: missense variant.
Genome position (GRCh38, 1-based): chr14:23,393,392, C>A on the plus strand (G>T on the coding strand, the complement: MYH6 is on the minus strand). VCF-style: chr14-23393392-C-A. GRCh37 (hg19) VCF-style: chr14-23862601-C-A.
Other names: short protein forms V1019F.
Identifiers: ClinVar variation 646606 (VCV000646606.1), dbSNP rs1595056123, ClinGen allele CA389010474.